The following is an entry in ClinVar:

ClinVar aggregate classification (germline): Uncertain significance. Review status: criteria provided, multiple submitters, no conflicts (2 of 4 stars). 2 submissions from 2 submitters: Uncertain significance (2). Last evaluated 2020-04-08.

Conditions:
Charcot-Marie-Tooth disease type 2. Also called: Charcot-Marie-Tooth type 2. Identifiers: Orphanet 64746, MedGen C0270914, MONDO:0018993.

Submissions (2):

Labcorp Genetics (formerly Invitae), Labcorp
Classification: Uncertain significance for Charcot-Marie-Tooth disease type 2. Last evaluated: 2020-04-08. Review status: criteria provided, single submitter. Criteria: Invitae Variant Classification Sherloc (09022015). Collection method: clinical testing. Allele origin: germline.
Comment: In summary, the available evidence is currently insufficient to determine the role of this variant in disease. Therefore, it has been classified as a Variant of Uncertain Significance. Algorithms developed to predict the effect of missense changes on protein structure and function are either unavailable or do not agree on the potential impact of this missense change (SIFT: "Deleterious"; PolyPhen-2: "Benign"; Align-GVGD: "Class C55"). This variant has not been reported in the literature in individuals with LMNA-related conditions. This variant is not present in population databases (ExAC no frequency). This sequence change replaces glutamic acid with lysine at codon 115 of the LMNA protein (p.Glu115Lys). The glutamic acid residue is highly conserved and there is a small physicochemical difference between glutamic acid and lysine.

Mayo Clinic Laboratories, Mayo Clinic
Classification: Uncertain significance. Last evaluated: 2019-06-17. Review status: criteria provided, single submitter. Criteria: ACMG Guidelines, 2015. Collection method: clinical testing. Allele origin: germline. Observed: 1 variant allele.

NM_170707.4(LMNA):c.343G>A (p.Glu115Lys)

Gene: LMNA (lamin A/C; plus strand). Cytogenetic location: 1q22.
Variant type: single nucleotide variant.
Coding change: c.343G>A on transcript NM_170707.4 (MANE Select); coding-DNA position 343, G replaced by A.
Protein change: p.Glu115Lys; replaces glutamic acid 115 with lysine.
Molecular consequence: missense variant.
Genome position (GRCh38, 1-based): chr1:156,115,261, G>A. VCF-style: chr1-156115261-G-A. GRCh37 (hg19) VCF-style: chr1-156085052-G-A.
Other names: c.343G>A, p.Glu115Lys (NM_001282625.2, NM_001282626.2, NM_005572.4 and 1 more transcripts); short protein forms E115K.
Identifiers: ClinVar variation 1020974 (VCV001020974.13), dbSNP rs1649743062, ClinGen allele CA342808883.